The following is an entry in ClinVar:

ClinVar aggregate classification (germline): Conflicting classifications of pathogenicity. Review status: criteria provided, conflicting classifications (1 of 4 stars). 5 submissions from 5 submitters: Likely pathogenic (3); Uncertain significance (1). 1 of the submissions does not count toward it. Last evaluated 2023-04-11.

Conditions:
Mitochondrial complex I deficiency, nuclear type 6. Also called: Mitochondrial complex 1 deficiency, nuclear type 6. Identifiers: MedGen C4748759, MONDO:0032611, OMIM 618228.

Allele frequency attached by ClinVar (database versions not stated): gnomAD exomes below 0.00001; gnomAD 0.00001.
gnomAD v4.1: 2 of 1,614,118 alleles (0.00012%); highest among the groups gnomAD compares: Middle Eastern, 0.016%; no homozygotes.

Submissions (5):

Genome-Nilou Lab
Classification: Likely pathogenic for Mitochondrial complex I deficiency, nuclear type 6. Last evaluated: 2023-04-11. Review status: criteria provided, single submitter. Criteria: ACMG Guidelines, 2015. Collection method: clinical testing. Allele origin: germline. Affected: no.

Labcorp Genetics (formerly Invitae), Labcorp
Classification: Likely pathogenic. Last evaluated: 2022-01-11. Review status: criteria provided, single submitter. Criteria: Invitae Variant Classification Sherloc (09022015). Collection method: clinical testing. Allele origin: germline.
Comment: In summary, the currently available evidence indicates that the variant is pathogenic, but additional data are needed to prove that conclusively. Therefore, this variant has been classified as Likely Pathogenic. Algorithms developed to predict the effect of missense changes on protein structure and function are either unavailable or do not agree on the potential impact of this missense change (SIFT: "Deleterious"; PolyPhen-2: "Probably Damaging"; Align-GVGD: "Class C0"). ClinVar contains an entry for this variant (Variation ID: 6711). This missense change has been observed in individual(s) with clinical features of mitochondrial complex I deficiency (PMID: 11220739, 31411514; Invitae). In at least one individual the data is consistent with being in trans (on the opposite chromosome) from a pathogenic variant. This variant is not present in population databases (gnomAD no frequency). This sequence change replaces serine, which is neutral and polar, with proline, which is neutral and non-polar, at codon 413 of the NDUFS2 protein (p.Ser413Pro).

Blueprint Genetics
Classification: Uncertain significance. Last evaluated: 2021-11-24. Review status: criteria provided, single submitter. Criteria: ACMG Guidelines, 2015. Collection method: clinical testing. Allele origin: germline.

GeneDx
Classification: Likely pathogenic. Last evaluated: 2021-07-15. Review status: criteria provided, single submitter. Criteria: GeneDx Variant Classification Process June 2021. Collection method: clinical testing. Allele origin: germline. Affected: yes.
Comment: Not observed in large population cohorts (Lek et al., 2016); In silico analysis supports that this missense variant has a deleterious effect on protein structure/function; This variant is associated with the following publications: (PMID: 31411514, 22036843, 11220739)

OMIM
Classification: Pathogenic for MITOCHONDRIAL COMPLEX I DEFICIENCY, NUCLEAR TYPE 6. Last evaluated: 2001-02-01. Review status: no assertion criteria provided. Collection method: literature only. Allele origin: germline. Not counted in ClinVar's aggregate classification.

Literature cited by the submitters: PubMed 11220739 (cited by Labcorp Genetics (formerly Invitae), Labcorp and OMIM); PubMed 31411514 (cited by Labcorp Genetics (formerly Invitae), Labcorp).

NM_001377299.1(NDUFS2):c.1237T>C (p.Ser413Pro)

Gene: NDUFS2 (NADH:ubiquinone oxidoreductase core subunit S2; plus strand). Cytogenetic location: 1q23.3.
Variant type: single nucleotide variant.
Coding change: c.1237T>C on transcript NM_001377299.1 (MANE Select); coding-DNA position 1237, T replaced by C.
Protein change: p.Ser413Pro; replaces serine 413 with proline.
Molecular consequence: missense variant. On other transcripts: non-coding transcript variant (1).
Genome position (GRCh38, 1-based): chr1:161,213,673, T>C. VCF-style: chr1-161213673-T-C. GRCh37 (hg19) VCF-style: chr1-161183463-T-C.
Other names: p.S413P:TCT>CCT; c.1237T>C, p.Ser413Pro (NM_001166159.2, NM_001377298.1, NM_001377300.1 and 3 more transcripts); short protein forms S413P.
Identifiers: ClinVar variation 6711 (VCV000006711.11), dbSNP rs121434429, ClinGen allele CA118443.
Genomic context (GRCh38, chr1:161,213,673, plus strand): 5'-TGTTAATACAGACACCCAACCTTCTTCCTTGAACAGGGAGAGTTTGGGGTGTACCTGGTG[T>C]CTGATGGCAGCAGCCGCCCTTATCGATGCAAGATCAAGGCTCCTGGTTTTGCCCATCTGG-3'
Protein context (NP_001364228.1, residues 403-423): PKGEFGVYLV[Ser413Pro]DGSSRPYRCK